The following is an entry in ClinVar:

NM_014254.3(RXYLT1):c.322A>G (p.Ile108Val)

Gene: RXYLT1 (ribitol xylosyltransferase 1; plus strand). Cytogenetic location: 12q14.2.
Variant type: single nucleotide variant.
Coding change: c.322A>G on transcript NM_014254.3 (MANE Select); coding-DNA position 322, A replaced by G.
Protein change: p.Ile108Val; replaces isoleucine 108 with valine.
Molecular consequence: missense variant. On other transcripts: 5 prime UTR variant (1).
Genome position (GRCh38, 1-based): chr12:63,781,171, A>G. VCF-style: chr12-63781171-A-G. GRCh37 (hg19) VCF-style: chr12-64174951-A-G.
Other names: p.Ile108Val; c.-459A>G (NM_001278237.2); short protein forms I108V.
Identifiers: ClinVar variation 4541729 (VCV004541729.1).

ClinVar aggregate classification (germline): Uncertain significance (1 of 4 stars; one submission).

Submission:

Mayo Clinic Laboratories, Mayo Clinic
Classification: Uncertain significance. Last evaluated: 2025-11-01. Review status: criteria provided, single submitter. Criteria: ACMG Guidelines, 2015. Collection method: clinical testing. Allele origin: germline. Observed: 1 variant allele.
Comment: BP7_moderate